The following is an entry in ClinVar:

ClinVar aggregate classification (germline): Uncertain significance (1 of 4 stars; one submission).

Conditions:
Muscular dystrophy-dystroglycanopathy (congenital with brain and eye anomalies), type a, 8 (MDDGA8). Also called: WALKER-WARBURG SYNDROME OR MUSCLE-EYE-BRAIN DISEASE, GTDC2-RELATED. Identifiers: Orphanet 899, MedGen C3553813, MONDO:0013904, OMIM 614830.

Allele frequency attached by ClinVar (database versions not stated): gnomAD exomes below 0.00001; TOPMed 0.00001.
gnomAD v4.1: 1 of 1,614,024 alleles (0.000062%); highest among the groups gnomAD compares: Non-Finnish European, 0.000085%; no homozygotes.

Submission:

Labcorp Genetics (formerly Invitae), Labcorp
Classification: Uncertain significance for Muscular dystrophy-dystroglycanopathy (congenital with brain and eye anomalies), type a, 8. Last evaluated: 2022-07-26. Review status: criteria provided, single submitter. Criteria: Invitae Variant Classification Sherloc (09022015). Collection method: clinical testing. Allele origin: germline.
Comment: This sequence change replaces leucine, which is neutral and non-polar, with valine, which is neutral and non-polar, at codon 502 of the POMGNT2 protein (p.Leu502Val). This variant is not present in population databases (gnomAD no frequency). This variant has not been reported in the literature in individuals affected with POMGNT2-related conditions. ClinVar contains an entry for this variant (Variation ID: 1024264). Algorithms developed to predict the effect of missense changes on protein structure and function (SIFT, PolyPhen-2, Align-GVGD) all suggest that this variant is likely to be disruptive. In summary, the available evidence is currently insufficient to determine the role of this variant in disease. Therefore, it has been classified as a Variant of Uncertain Significance.

NM_032806.6(POMGNT2):c.1504C>G (p.Leu502Val)

Gene: POMGNT2 (protein O-linked mannose N-acetylglucosaminyltransferase 2 (beta 1,4-); minus strand). Cytogenetic location: 3p22.1.
Variant type: single nucleotide variant.
Coding change: c.1504C>G on transcript NM_032806.6 (MANE Select); coding-DNA position 1504, C replaced by G.
Protein change: p.Leu502Val; replaces leucine 502 with valine.
Molecular consequence: missense variant.
Genome position (GRCh38, 1-based): chr3:43,079,928, G>C on the plus strand (C>G on the coding strand, the complement: POMGNT2 is on the minus strand). VCF-style: chr3-43079928-G-C. GRCh37 (hg19) VCF-style: chr3-43121420-G-C.
Other names: short protein forms L502V.
Identifiers: ClinVar variation 1024264 (VCV001024264.2), dbSNP rs1369256836, ClinGen allele CA352299821.